The following is an entry in ClinVar:

NM_000313.4(PROS1):c.*469A>C

Gene: PROS1 (protein S; minus strand). Cytogenetic location: 3q11.1.
Variant type: single nucleotide variant.
Coding change: c.*469A>C on transcript NM_000313.4 (MANE Select); 469 bases downstream of the stop codon, A replaced by C.
Molecular consequence: 3 prime UTR variant.
Genome position (GRCh38, 1-based): chr3:93,873,776, T>G on the plus strand (A>C on the coding strand, the complement: PROS1 is on the minus strand). VCF-style: chr3-93873776-T-G. GRCh37 (hg19) VCF-style: chr3-93592620-T-G.
Other names: c.*469A>C (NM_001314077.2).
Identifiers: ClinVar variation 903195 (VCV000903195.4), dbSNP rs147496684, ClinGen allele CA78519983.

ClinVar aggregate classification (germline): Likely benign (1 of 4 stars; one submission).

Conditions:
Thrombophilia due to protein S deficiency, autosomal dominant (THPH5). Identifiers: Orphanet 26349, Orphanet 743, MedGen C3278211, MONDO:0012868, OMIM 612336. Disease mechanism: loss of function.

Allele frequency attached by ClinVar (database versions not stated): gnomAD 0.00153 and 0.00164; TOPMed 0.00175; 1000 Genomes Project 0.00220; 1000 Genomes Project 30x 0.00234.

Submission:

Illumina Laboratory Services, Illumina
Classification: Likely benign for Thrombophilia due to protein S deficiency, autosomal dominant. Last evaluated: 2018-01-13. Review status: criteria provided, single submitter. Criteria: ICSL Variant Classification Criteria 13 December 2019. Collection method: clinical testing. Allele origin: germline.
Comment: This variant was observed in the ICSL laboratory as part of a predisposition screen in an ostensibly healthy population. It had not been previously curated by ICSL or reported in the Human Gene Mutation Database (HGMD: prior to June 1st, 2018), and was therefore a candidate for classification through an automated scoring system. Utilizing variant allele frequency, disease prevalence and penetrance estimates, and inheritance mode, an automated score was calculated to assess if this variant is too frequent to cause the disease. Based on the score and internal cut-off values, a variant classified as likely benign is not then subjected to further curation. The score for this variant resulted in a classification of likely benign for this disease.